The following is an entry in ClinVar:

ClinVar aggregate classification (germline): Conflicting classifications of pathogenicity. Review status: criteria provided, conflicting classifications (1 of 4 stars). 2 submissions from 2 submitters: Uncertain significance (1); Likely benign (1). Last evaluated 2024-08-06.

Conditions:
Inborn genetic diseases. Identifiers: MedGen C0950123, MeSH D030342.
Luscan-Lumish syndrome. Identifiers: Orphanet 597738, MedGen C4085873, MONDO:0014791, OMIM 616831.

Allele frequency attached by ClinVar (database versions not stated): TOPMed below 0.00001; gnomAD 0.00001; ExAC 0.00002; gnomAD exomes 0.00002; ESP Exome Variant Server 0.00008.
gnomAD v4.1: 29 of 1,614,002 alleles (0.0018%); highest among the groups gnomAD compares: South Asian, 0.0066%; no homozygotes.

Submissions (2):

Labcorp Genetics (formerly Invitae), Labcorp
Classification: Uncertain significance for Luscan-Lumish syndrome. Last evaluated: 2024-08-06. Review status: criteria provided, single submitter. Criteria: Invitae Variant Classification Sherloc (09022015). Collection method: clinical testing. Allele origin: germline.
Comment: This sequence change replaces aspartic acid, which is acidic and polar, with asparagine, which is neutral and polar, at codon 799 of the SETD2 protein (p.Asp799Asn). This variant is present in population databases (rs367547253, gnomAD 0.007%). This variant has not been reported in the literature in individuals affected with SETD2-related conditions. ClinVar contains an entry for this variant (Variation ID: 2496368). Advanced modeling of protein sequence and biophysical properties (such as structural, functional, and spatial information, amino acid conservation, physicochemical variation, residue mobility, and thermodynamic stability) performed at Invitae indicates that this missense variant is not expected to disrupt SETD2 protein function with a negative predictive value of 80%. In summary, the available evidence is currently insufficient to determine the role of this variant in disease. Therefore, it has been classified as a Variant of Uncertain Significance.

Ambry Genetics
Classification: Likely benign for Inborn genetic diseases. Last evaluated: 2023-03-14. Review status: criteria provided, single submitter. Criteria: Ambry Variant Classification Scheme 2023. Collection method: clinical testing. Allele origin: germline.

NM_014159.7(SETD2):c.2395G>A (p.Asp799Asn)

Gene: SETD2 (SET domain containing 2, histone lysine methyltransferase; minus strand). Cytogenetic location: 3p21.31.
Variant type: single nucleotide variant.
Coding change: c.2395G>A on transcript NM_014159.7 (MANE Select); coding-DNA position 2395, G replaced by A.
Protein change: p.Asp799Asn; replaces aspartic acid 799 with asparagine.
Molecular consequence: missense variant. On other transcripts: non-coding transcript variant (1).
Genome position (GRCh38, 1-based): chr3:47,122,241, C>T on the plus strand (G>A on the coding strand, the complement: SETD2 is on the minus strand). VCF-style: chr3-47122241-C-T. GRCh37 (hg19) VCF-style: chr3-47163731-C-T.
Other names: c.2263G>A, p.Asp755Asn (NM_001349370.3); short protein forms D755N, D799N.
Identifiers: ClinVar variation 2496368 (VCV002496368.4), dbSNP rs367547253, ClinGen allele CA2363540.